The following is an entry in ClinVar:

ClinVar aggregate classification (germline): Pathogenic (1 of 4 stars; one submission).

Conditions:
Neuropathy, hereditary sensory and autonomic, type 2A (HSAN2A). Also called: MORVAN DISEASE; NEUROPATHY, CONGENITAL SENSORY; NEUROPATHY, HEREDITARY SENSORY RADICULAR, AUTOSOMAL RECESSIVE; NEUROPATHY, HEREDITARY SENSORY, TYPE IIA; NEUROPATHY, PROGRESSIVE SENSORY, OF CHILDREN; ACROOSTEOLYSIS, GIACCAI TYPE. Identifiers: Orphanet 970, MedGen C2752089, MONDO:0024309, OMIM 201300.
Generalized epilepsy with febrile seizures plus, type 7 (GEFSP7). Also called: GEFS+, TYPE 7. Identifiers: Orphanet 36387, MedGen C2751778, MONDO:0013470, OMIM 613863.

Submission:

Labcorp Genetics (formerly Invitae), Labcorp
Classification: Pathogenic for Neuropathy, hereditary sensory and autonomic, type 2A; Generalized epilepsy with febrile seizures plus, type 7. Last evaluated: 2024-06-19. Review status: criteria provided, single submitter. Criteria: Invitae Variant Classification Sherloc (09022015). Collection method: clinical testing. Allele origin: germline.
Comment: This sequence change creates a premature translational stop signal (p.Cys140*) in the SCN9A gene. It is expected to result in an absent or disrupted protein product. Loss-of-function variants in SCN9A are known to be pathogenic (PMID: 17470132, 19304393). This variant is not present in population databases (gnomAD no frequency). This variant has not been reported in the literature in individuals affected with SCN9A-related conditions. For these reasons, this variant has been classified as Pathogenic.

Literature cited by the submitters: PubMed 17470132; PubMed 19304393.

NM_001365536.1(SCN9A):c.420C>A (p.Cys140Ter)

Gene: SCN9A (sodium voltage-gated channel alpha subunit 9; minus strand). Cytogenetic location: 2q24.3.
Variant type: single nucleotide variant.
Coding change: c.420C>A on transcript NM_001365536.1 (MANE Select); coding-DNA position 420, C replaced by A.
Protein change: p.Cys140Ter; replaces cysteine 140 with a stop codon.
Molecular consequence: nonsense.
Genome position (GRCh38, 1-based): chr2:166,306,557, G>T on the plus strand (C>A on the coding strand, the complement: SCN9A is on the minus strand). VCF-style: chr2-166306557-G-T. GRCh37 (hg19) VCF-style: chr2-167163067-G-T.
Other names: c.420C>A, p.Cys140Ter (NM_002977.4); short protein forms C140*.
Identifiers: ClinVar variation 3756876 (VCV003756876.2).
Genomic context (GRCh38, chr2:166,306,557, plus strand): 5'-TATACCCACTTACTCGACATTTTTGGTCCAGTCCGGTGGGTTATTCATGGTCATAAATAT[G>T]CAGTTTGTCAGAATAGTGCACATGATGAGCATGCTGAATAAGGTAGCTTAGAATCAAGGA-3'